The following is an entry in ClinVar:

ClinVar aggregate classification (germline): Pathogenic/Likely pathogenic. Review status: criteria provided, multiple submitters, no conflicts (2 of 4 stars). 8 submissions from 8 submitters: Pathogenic (2); Likely pathogenic (3). 3 of the submissions do not count toward it. Last evaluated 2024-10-11.

Conditions:
Isolated thoracic aortic aneurysm.
Familial thoracic aortic aneurysm and aortic dissection (TAAD). Also called: Thoracic aortic aneurysms and dissections. Identifiers: Orphanet 91387, MedGen C4707243, MONDO:0019625.
Marfan syndrome (MFS). Also called: Marfan syndrome type 1; Marfan syndrome, classic; Marfan's syndrome; FBN1-Related Marfan Syndrome; MARFAN SYNDROME, TYPE I. Identifiers: Orphanet 284963, Orphanet 558, MedGen C0024796, MONDO:0007947, OMIM 154700.
FBN1-related disorder. Also called: FBN1-related disorders.

Submissions (8):

Victorian Clinical Genetics Services, Murdoch Childrens Research Institute
Classification: Pathogenic for Marfan syndrome. Last evaluated: 2024-10-11. Review status: criteria provided, single submitter. Criteria: ACMG Guidelines, 2015. Collection method: clinical testing. Allele origin: germline. Inheritance: Autosomal dominant inheritance. Affected: yes.
Comment: Based on the classification scheme VCGS_Germline_v1.3.5, this variant is classified as Pathogenic. Following criteria are met: 0103 - Dominant negative and loss of function are known mechanisms of disease in this gene and are associated with FBN1-related disease. Variants predicted to result in nonsense mediated decay cause loss of function effects, and are more commonly associated with severe Marfan syndrome (MIM#154700). Missense variants with both dominant negative and loss of function effects on protein function are associated with Marfan syndrome and ectopia lentis (MIM#129600) (OMIM, PMID: 29357934). The exact genotype-phenotype correlation for this gene is still unclear, and is compounded by variable expressivity (PMID: 20301510). (I) 0107 - This gene is predominantly associated with autosomal dominant disease; autosomal recessive forms of Marfan syndrome have rarely been reported (PMID: 27274304, 31950671). (I) 0115 - Variants in this gene are known to have variable expressivity. The genotype-phenotype correlations for this gene are unclear, with single variants reported in patients with a range of phenotypes (PMID: 20301510, OMIM). (I) 0200 - Variant is predicted to result in a missense amino acid change from cysteine to arginine. (I) 0251 - This variant is heterozygous. (I) 0301 - Variant is absent from gnomAD (v2, v3 and v4). (SP) 0501 - Missense variant consistently predicted to be damaging by multiple in silico tools or highly conserved with a major amino acid change. (SP) 0600 - Variant is located in the annotated TB Family (DECIPHER). (I) 0702 - Other missense variants comparable to the one identified in this case have strong previous evidence for pathogenicity. p.(Cys2111Tyr) has been reported in ClinVar twice as likely pathogenic and once as pathogenic by clinical laboratories. This variant has also been observed in an individual with Marfan syndrome (MFS) (PMID: 9338581) p.(Cys2111Gly) has been reported once as pathogenic in ClinVar, and has been observed in individuals with MFS (PMIDs: 37042257, 31279624). p.(Cys2111Phe) has been classified as likely pathogenic in an individual with MFS (PMID: 37558401). (SP) 0801 - This variant has strong previous evidence of pathogenicity in unrelated individuals. This variant has been reported in unrelated individuals with suspected Marfan syndrome, and once in an individual with ectopia lentis (PMIDs: 34628919, 37688493, 11826022, 33824467, 37558401, 38190127). (SP) 0903 - This variant has limited evidence for segregation with disease. This variant has been observed in two affected sons and their affected mother, with the unaffected father not having the variant (PMID: 34628919). (SP) 1007 - No published functional evidence has been identified for this variant. (I) 1208 - Inheritance information for this variant is not currently available in this individual. (I) Legend: (SP) - Supporting pathogenic, (I) - Information, (SB) - Supporting benign

GeneDx
Classification: Likely pathogenic. Last evaluated: 2024-10-07. Review status: criteria provided, single submitter. Criteria: GeneDx Variant Classification Process June 2021. Collection method: clinical testing. Allele origin: germline. Affected: yes.
Comment: Affects a cysteine residue within a TGF-binding protein domain (aka TB domain or 8-Cysteine domain) and is expected to disrupt disulfide bonding within this domain; other missense substitutions that affect cysteine residues within TGF-binding protein domains have been reported in association with FBN1-related disorders (PMIDs: 8281141, 21175431, 7622614; HGMD); Not observed at significant frequency in large population cohorts (gnomAD); In silico analysis supports that this missense variant has a deleterious effect on protein structure/function; This variant is associated with the following publications: (PMID: 11826022, 38190127, 8281141, 21175431, 7622614, 37688493, 22005308, 33824467, 34628919, 37558401)

Blueprint Genetics
Classification: Pathogenic for FBN1-related disorders. Last evaluated: 2023-11-20. Review status: criteria provided, single submitter. Criteria: ACMG Guidelines, 2015. Collection method: clinical testing. Allele origin: germline. Affected: yes. Observed: 1 variant allele.

Department of Vascular Biology, Beijing Anzhen Hospital
Classification: Likely pathogenic for Isolated thoracic aortic aneurysm. Last evaluated: 2018-09-01. Review status: criteria provided, single submitter. Criteria: ACMG Guidelines, 2015. Collection method: research. Allele origin: germline. Affected: yes.

CHEO Genetics Diagnostic Laboratory, Children's Hospital of Eastern Ontario
Classification: Likely pathogenic for Familial thoracic aortic aneurysm and aortic dissection. Last evaluated: 2018-06-28. Review status: criteria provided, single submitter. Criteria: ACMG Guidelines, 2015. Collection method: clinical testing. Allele origin: germline.

Department of Laboratory Medicine and Genetics, Samsung Medical Center
Classification: Pathogenic for Marfan syndrome. Last evaluated: 2025-01-02. Review status: no assertion criteria provided. Collection method: clinical testing. Allele origin: germline. Affected: yes. Not counted in ClinVar's aggregate classification.
Comment: The NM_000138.5:c.6331T>C is considered to be rare in the general population database (gnomAD v2.1.1). This variant is predicted to be deleterious by in-silico analysis (REVEL). This variant is located in functional domains and a different missense variant at the same residue is determined to be pathogenic (c.6332G>T, p.Cys2111Phe and c.6332G>A, p.Cys2111Tyr). This variant was found in a patient with suspected or confirmed Marfan syndrome (PMID: 11826022; 33824467; 34456093; 34628919; 38190127). According to the ClinGen guidance for PP1/BS4 and PP4 criteria (PMID: 38103548), PP4 with weighted strength was applied. In summary, this variant was classified as a pathogenic variant for Marfan syndrome (PS4, PM1, PM5, PP2, PP3, PP4 with weighted strength, PM2_P).

Clinical Genetics Laboratory, University Hospital Schleswig-Holstein
Classification: Likely pathogenic for Marfan syndrome. Last evaluated: 2024-02-29. Review status: no assertion criteria provided. Collection method: clinical testing. Allele origin: germline. Affected: yes. Not counted in ClinVar's aggregate classification.

Center for Medical Genetics Ghent, University of Ghent
Classification: Likely pathogenic for Marfan syndrome. Last evaluated: 2017-11-07. Review status: no assertion criteria provided. Collection method: clinical testing. Allele origin: germline. Affected: yes. Not counted in ClinVar's aggregate classification.

Literature cited by the submitters: PubMed 9338581 (cited by Victorian Clinical Genetics Services, Murdoch Childrens Research Institute); PubMed 11826022 (cited by Victorian Clinical Genetics Services, Murdoch Childrens Research Institute and Department of Laboratory Medicine and Genetics, Samsung Medical Center); PubMed 20301510 (cited by Victorian Clinical Genetics Services, Murdoch Childrens Research Institute); PubMed 27274304 (cited by Victorian Clinical Genetics Services, Murdoch Childrens Research Institute); PubMed 29357934 (cited by Victorian Clinical Genetics Services, Murdoch Childrens Research Institute); PubMed 31279624 (cited by Victorian Clinical Genetics Services, Murdoch Childrens Research Institute); PubMed 31950671 (cited by Victorian Clinical Genetics Services, Murdoch Childrens Research Institute); PubMed 33824467 (cited by Victorian Clinical Genetics Services, Murdoch Childrens Research Institute and Department of Laboratory Medicine and Genetics, Samsung Medical Center); PubMed 34628919 (cited by Victorian Clinical Genetics Services, Murdoch Childrens Research Institute and Department of Laboratory Medicine and Genetics, Samsung Medical Center); PubMed 37042257 (cited by Victorian Clinical Genetics Services, Murdoch Childrens Research Institute); PubMed 37558401 (cited by Victorian Clinical Genetics Services, Murdoch Childrens Research Institute and Department of Laboratory Medicine and Genetics, Samsung Medical Center); PubMed 37688493 (cited by Victorian Clinical Genetics Services, Murdoch Childrens Research Institute); PubMed 38190127 (cited by Victorian Clinical Genetics Services, Murdoch Childrens Research Institute and Department of Laboratory Medicine and Genetics, Samsung Medical Center); PubMed 34456093 (cited by Department of Laboratory Medicine and Genetics, Samsung Medical Center).

NM_000138.5(FBN1):c.6331T>C (p.Cys2111Arg)

Gene: FBN1 (fibrillin 1; minus strand). Cytogenetic location: 15q21.1.
Variant type: single nucleotide variant.
Coding change: c.6331T>C on transcript NM_000138.5 (MANE Select); coding-DNA position 6331, T replaced by C.
Protein change: p.Cys2111Arg; replaces cysteine 2111 with arginine.
Molecular consequence: missense variant.
Genome position (GRCh38, 1-based): chr15:48,437,370, A>G on the plus strand (T>C on the coding strand, the complement: FBN1 is on the minus strand). VCF-style: chr15-48437370-A-G. GRCh37 (hg19) VCF-style: chr15-48729567-A-G.
Other names: short protein forms C2111R.
Identifiers: ClinVar variation 549340 (VCV000549340.10), dbSNP rs363815, ClinGen allele CA269526496.